The following is an entry in ClinVar:

ClinVar aggregate classification (germline): Uncertain significance (1 of 4 stars; one submission).

Conditions:
Cardiovascular phenotype. Identifiers: MedGen CN230736.

gnomAD v4.1: 11 of 1,571,502 alleles (0.0007%); highest among the groups gnomAD compares: Admixed American, 0.0033%; no homozygotes.

Submission:

Ambry Genetics
Classification: Uncertain significance for Cardiovascular phenotype. Last evaluated: 2024-04-09. Review status: criteria provided, single submitter. Criteria: Ambry Variant Classification Scheme 2023. Collection method: clinical testing. Allele origin: germline.
Comment: The c.3318+3A>G intronic variant results from an A to G substitution 3 nucleotides after coding exon 8 in the AKAP9 gene. This nucleotide position is highly conserved in available vertebrate species. In silico splice site analysis predicts that this alteration may weaken the native splice donor site. The evidence for this gene-disease relationship is limited; therefore, the clinical significance of this alteration is unclear.

NM_005751.5(AKAP9):c.3318+3A>G

Gene: AKAP9 (A-kinase anchoring protein 9; plus strand). Cytogenetic location: 7q21.2.
Variant type: single nucleotide variant.
Coding change: c.3318+3A>G on transcript NM_005751.5 (MANE Select); 3 bases into the intron after coding-DNA position 3318, A replaced by G.
Molecular consequence: intron variant.
Genome position (GRCh38, 1-based): chr7:92,003,238, A>G. VCF-style: chr7-92003238-A-G. GRCh37 (hg19) VCF-style: chr7-91632552-A-G.
Other names: c.3318+3A>G (NM_147185.3).
Identifiers: ClinVar variation 3281731 (VCV003281731.1).